The following is an entry in ClinVar:

NM_014795.4(ZEB2):c.808-3T>C

Gene: ZEB2 (zinc finger E-box binding homeobox 2; minus strand). Cytogenetic location: 2q22.3.
Variant type: single nucleotide variant.
Coding change: c.808-3T>C on transcript NM_014795.4 (MANE Select); 3 bases into the intron before coding-DNA position 808, T replaced by C.
Molecular consequence: intron variant.
Genome position (GRCh38, 1-based): chr2:144,401,310, A>G on the plus strand (T>C on the coding strand, the complement: ZEB2 is on the minus strand). VCF-style: chr2-144401310-A-G. GRCh37 (hg19) VCF-style: chr2-145158877-A-G.
Other names: c.736-3T>C (NM_001171653.2).
Identifiers: ClinVar variation 3016455 (VCV003016455.3), dbSNP rs774047443, ClinGen allele CA1898407.

ClinVar aggregate classification (germline): Uncertain significance (1 of 4 stars; one submission).

Conditions:
Mowat-Wilson syndrome (MOWS). Also called: Classic Mowat-Wilson Syndrome. Identifiers: Orphanet 2152, MedGen C1856113, MONDO:0009341, OMIM 235730.

Allele frequency attached by ClinVar (database versions not stated): gnomAD exomes below 0.00001; ExAC 0.00001; gnomAD 0.00001.
gnomAD v4.1: 3 of 1,613,886 alleles (0.00019%); highest among the groups gnomAD compares: East Asian, 0.0022%; no homozygotes.

Submission:

Labcorp Genetics (formerly Invitae), Labcorp
Classification: Uncertain significance for Mowat-Wilson syndrome. Last evaluated: 2023-12-11. Review status: criteria provided, single submitter. Criteria: Invitae Variant Classification Sherloc (09022015). Collection method: clinical testing. Allele origin: germline.
Comment: This sequence change falls in intron 6 of the ZEB2 gene. It does not directly change the encoded amino acid sequence of the ZEB2 protein. It affects a nucleotide within the consensus splice site. This variant is present in population databases (rs774047443, gnomAD 0.01%). This variant has not been reported in the literature in individuals affected with ZEB2-related conditions. Variants that disrupt the consensus splice site are a relatively common cause of aberrant splicing (PMID: 17576681, 9536098). Algorithms developed to predict the effect of sequence changes on RNA splicing suggest that this variant is not likely to affect RNA splicing. In summary, the available evidence is currently insufficient to determine the role of this variant in disease. Therefore, it has been classified as a Variant of Uncertain Significance.

Literature cited by the submitters: PubMed 17576681; PubMed 9536098.